The following is an entry in ClinVar:

NM_001002755.4(NFU1):c.86C>T (p.Pro29Leu)

Gene: NFU1 (NFU1 iron-sulfur cluster scaffold; minus strand). Cytogenetic location: 2p13.3.
Variant type: single nucleotide variant.
Coding change: c.86C>T on transcript NM_001002755.4 (MANE Select); coding-DNA position 86, C replaced by T.
Protein change: p.Pro29Leu; replaces proline 29 with leucine.
Molecular consequence: missense variant. On other transcripts: 5 prime UTR variant (1), non-coding transcript variant (2).
Genome position (GRCh38, 1-based): chr2:69,431,982, G>A on the plus strand (C>T on the coding strand, the complement: NFU1 is on the minus strand). VCF-style: chr2-69431982-G-A. GRCh37 (hg19) VCF-style: chr2-69659114-G-A.
Other names: c.-202C>T (NM_001002756.2); c.14C>T, p.Pro5Leu (NM_001374284.1, NM_015700.4); short protein forms P29L, P5L.
Identifiers: ClinVar variation 1999329 (VCV001999329.4), dbSNP rs2466440231, ClinGen allele CA347132783.

ClinVar aggregate classification (germline): Uncertain significance (1 of 4 stars; one submission).

Conditions:
Multiple mitochondrial dysfunctions syndrome 1 (MMDS1). Identifiers: Orphanet 401869, MedGen C3276432, MONDO:0011582, OMIM 605711.

Allele frequency attached by ClinVar (database versions not stated): gnomAD exomes below 0.00001.
gnomAD v4.1: 1 of 1,612,366 alleles (0.000062%); highest among the groups gnomAD compares: Non-Finnish European, 0.000085%; no homozygotes.

Submission:

Labcorp Genetics (formerly Invitae), Labcorp
Classification: Uncertain significance for Multiple mitochondrial dysfunctions syndrome 1. Last evaluated: 2022-12-18. Review status: criteria provided, single submitter. Criteria: Invitae Variant Classification Sherloc (09022015). Collection method: clinical testing. Allele origin: germline.
Comment: In summary, the available evidence is currently insufficient to determine the role of this variant in disease. Therefore, it has been classified as a Variant of Uncertain Significance. Algorithms developed to predict the effect of missense changes on protein structure and function output the following: SIFT: "Tolerated"; PolyPhen-2: "Benign"; Align-GVGD: "Class C0". The leucine amino acid residue is found in multiple mammalian species, which suggests that this missense change does not adversely affect protein function. This variant has not been reported in the literature in individuals affected with NFU1-related conditions. This variant is not present in population databases (gnomAD no frequency). This sequence change replaces proline, which is neutral and non-polar, with leucine, which is neutral and non-polar, at codon 29 of the NFU1 protein (p.Pro29Leu).